The following is an entry in ClinVar:

NM_024642.5(GALNT12):c.231G>C (p.Ala77=)

Gene: GALNT12 (polypeptide N-acetylgalactosaminyltransferase 12; plus strand). Cytogenetic location: 9q22.33.
Variant type: single nucleotide variant.
Coding change: c.231G>C on transcript NM_024642.5 (MANE Select); coding-DNA position 231, G replaced by C.
Protein change: p.Ala77=; no amino-acid change (alanine 77 retained).
Molecular consequence: synonymous variant.
Genome position (GRCh38, 1-based): chr9:98,807,929, G>C. VCF-style: chr9-98807929-G-C. GRCh37 (hg19) VCF-style: chr9-101570211-G-C.
Identifiers: ClinVar variation 4875875 (VCV004875875.1).

ClinVar aggregate classification (germline): Benign (1 of 4 stars; one submission).

Conditions:
Colorectal cancer, susceptibility to, 1. Also called: COLORECTAL ADENOMA AND CANCER, SUSCEPTIBILITY TO; COLORECTAL CANCER, SUSCEPTIBILITY TO, ON CHROMOSOME 9. Identifiers: MedGen C1837315, MONDO:0012132, OMIM 608812.

Submission:

Myriad Genetics, Inc.
Classification: Benign for Colorectal cancer, susceptibility to, 1. Last evaluated: 2026-04-23. Review status: criteria provided, single submitter. Criteria: Myriad Autosomal Dominant, Autosomal Recessive and X-Linked Classification Criteria (2023). Collection method: clinical testing. Allele origin: unknown.
Comment: This variant is considered benign. This variant is a silent/synonymous amino acid change and it is not expected to impact splicing.